The following is an entry in ClinVar:

ClinVar aggregate classification (germline): Conflicting classifications of pathogenicity. Review status: criteria provided, conflicting classifications (1 of 4 stars). 2 submissions from 2 submitters: Uncertain significance (1); Likely benign (1). Last evaluated 2025-05-21.

Allele frequency attached by ClinVar (database versions not stated): gnomAD exomes 0.00001; ExAC 0.00003; gnomAD 0.00007; ESP Exome Variant Server 0.00008; TOPMed 0.00011.
gnomAD v4.1: 17 of 1,613,414 alleles (0.0011%); highest among the groups gnomAD compares: African/African-American, 0.019%; no homozygotes.

Submissions (2):

Labcorp Genetics (formerly Invitae), Labcorp
Classification: Uncertain significance. Last evaluated: 2025-05-21. Review status: criteria provided, single submitter. Criteria: Invitae Variant Classification Sherloc (09022015). Collection method: clinical testing. Allele origin: germline.
Comment: This sequence change replaces proline, which is neutral and non-polar, with serine, which is neutral and polar, at codon 1072 of the CACNA1B protein (p.Pro1072Ser). This variant is present in population databases (rs369699627, gnomAD 0.04%). This variant has not been reported in the literature in individuals affected with CACNA1B-related conditions. ClinVar contains an entry for this variant (Variation ID: 2178145). Invitae Evidence Modeling of protein sequence and biophysical properties (such as structural, functional, and spatial information, amino acid conservation, physicochemical variation, residue mobility, and thermodynamic stability) indicates that this missense variant is not expected to disrupt CACNA1B protein function with a negative predictive value of 80%. In summary, the available evidence is currently insufficient to determine the role of this variant in disease. Therefore, it has been classified as a Variant of Uncertain Significance.

Ambry Genetics
Classification: Likely benign. Last evaluated: 2024-12-25. Review status: criteria provided, single submitter. Criteria: Ambry Variant Classification Scheme 2023. Collection method: clinical testing. Allele origin: germline.

NM_000718.4(CACNA1B):c.3214C>T (p.Pro1072Ser)

Gene: CACNA1B (calcium voltage-gated channel subunit alpha1 B; plus strand). Cytogenetic location: 9q34.3.
Variant type: single nucleotide variant.
Coding change: c.3214C>T on transcript NM_000718.4 (MANE Select); coding-DNA position 3214, C replaced by T.
Protein change: p.Pro1072Ser; replaces proline 1072 with serine.
Molecular consequence: missense variant.
Genome position (GRCh38, 1-based): chr9:138,025,100, C>T. VCF-style: chr9-138025100-C-T. GRCh37 (hg19) VCF-style: chr9-140919552-C-T.
Other names: c.3214C>T, p.Pro1072Ser (NM_001243812.2); c.3214C>T (NM_000718.3); short protein forms P1072S.
Identifiers: ClinVar variation 2178145 (VCV002178145.3), dbSNP rs369699627, ClinGen allele CA5376556.